The following is an entry in ClinVar:

ClinVar aggregate classification (germline): Conflicting classifications of pathogenicity. Review status: criteria provided, conflicting classifications (1 of 4 stars). 8 submissions from 8 submitters: Uncertain significance (3); Likely benign (3). 2 of the submissions do not count toward it. Last evaluated 2025-12-01.

Conditions:
Autosomal recessive ataxia, Beauce type. Also called: Spinocerebellar ataxia, autosomal recessive 8; ATAXIA, RECESSIVE, OF BEAUCE; SYNE1-Related Autosomal Recessive Cerebellar Ataxia; SYNE1 Deficiency. Identifiers: Orphanet 88644, MedGen C1853116, MONDO:0012549, OMIM 610743.
Emery-Dreifuss muscular dystrophy 4, autosomal dominant (EDMD4). Also called: EMERY-DREIFUSS MUSCULAR DYSTROPHY 4 WITH VARIABLE FEATURES. Identifiers: Orphanet 261, MedGen C2751807, MONDO:0013071, OMIM 612998.

Allele frequency attached by ClinVar (database versions not stated): gnomAD exomes 0.00023; ExAC 0.00024; gnomAD 0.00073 and 0.00080; TOPMed 0.00082; ESP Exome Variant Server 0.00115.
gnomAD v4.1: 253 of 1,614,042 alleles (0.016%); highest among the groups gnomAD compares: African/African-American, 0.26%; no homozygotes.

Submissions (8):

Labcorp Genetics (formerly Invitae), Labcorp
Classification: Likely benign for Emery-Dreifuss muscular dystrophy 4, autosomal dominant; Autosomal recessive ataxia, Beauce type. Last evaluated: 2025-12-01. Review status: criteria provided, single submitter. Criteria: Invitae Variant Classification Sherloc (09022015). Collection method: clinical testing. Allele origin: germline.

Women's Health and Genetics/Laboratory Corporation of America, LabCorp
Classification: Likely benign. Last evaluated: 2025-10-28. Review status: criteria provided, single submitter. Criteria: LabCorp Variant Classification Summary - May 2015. Collection method: clinical testing. Allele origin: germline.
Comment: Variant summary: SYNE1 c.21782A>C (p.His7261Pro) results in a non-conservative amino acid change in the encoded protein sequence. Algorithms developed to predict the effect of missense changes on protein structure and function are either unavailable or do not agree on the potential impact of this missense change. The variant allele was found at a frequency of 0.00023 in 251214 control chromosomes, predominantly at a frequency of 0.0023 within the African or African-American subpopulation in the gnomAD database. The observed variant frequency within African or African-American control individuals in the gnomAD database exceeds the estimated maximal expected allele frequency for disease-causing variants in SYNE1. To our knowledge, no occurrence of c.21782A>C in individuals affected with SYNE1-related conditions and no experimental evidence demonstrating its impact on protein function have been reported. ClinVar contains an entry for this variant (Variation ID: 281278). Based on the evidence outlined above, the variant was classified as likely benign.

GeneDx
Classification: Uncertain significance. Last evaluated: 2025-08-05. Review status: criteria provided, single submitter. Criteria: GeneDx Variant Classification Process June 2021. Collection method: clinical testing. Allele origin: germline. Affected: yes.
Comment: In silico analysis supports that this missense variant has a deleterious effect on protein structure/function; This variant is associated with the following publications: (PMID: 22287014)

Athena Diagnostics
Classification: Likely benign. Last evaluated: 2020-12-22. Review status: criteria provided, single submitter. Criteria: Athena Diagnostics criteria. Collection method: clinical testing. Allele origin: unknown.

Baylor Genetics
Classification: Uncertain significance for Autosomal recessive ataxia, Beauce type. Last evaluated: 2019-11-06. Review status: criteria provided, single submitter. Criteria: ACMG Guidelines, 2015. Collection method: clinical testing. Allele origin: unknown. Affected: yes.
Comment: This variant was determined to be of uncertain significance according to ACMG Guidelines, 2015 [PMID:25741868].

Eurofins Ntd Llc (ga)
Classification: Uncertain significance. Last evaluated: 2017-01-03. Review status: criteria provided, single submitter. Criteria: EGL Classification Definitions 2015. Collection method: clinical testing. Allele origin: germline. Observed: 6 variant alleles, 6 heterozygotes.

Clinical Genetics DNA and cytogenetics Diagnostics Lab, Erasmus MC, Erasmus Medical Center
Classification: Likely benign. Review status: no assertion criteria provided. Collection method: clinical testing. Allele origin: germline. Affected: yes. Study: VKGL Data-share Consensus. Not counted in ClinVar's aggregate classification.

Laboratory of Diagnostic Genome Analysis, Leiden University Medical Center (LUMC)
Classification: Likely benign. Review status: no assertion criteria provided. Collection method: clinical testing. Allele origin: germline. Affected: yes. Study: VKGL Data-share Consensus. Not counted in ClinVar's aggregate classification.

Literature cited by the submitters: PubMed 22287014 (cited by Athena Diagnostics); PubMed 32348865 (cited by Athena Diagnostics).

NM_182961.4(SYNE1):c.21995A>C (p.His7332Pro)

Gene: SYNE1 (spectrin repeat containing nuclear envelope protein 1; minus strand). Cytogenetic location: 6q25.2.
Variant type: single nucleotide variant.
Coding change: c.21995A>C on transcript NM_182961.4 (MANE Select); coding-DNA position 21995, A replaced by C.
Protein change: p.His7332Pro; replaces histidine 7332 with proline.
Molecular consequence: missense variant.
Genome position (GRCh38, 1-based): chr6:152,219,052, T>G on the plus strand (A>C on the coding strand, the complement: SYNE1 is on the minus strand). VCF-style: chr6-152219052-T-G. GRCh37 (hg19) VCF-style: chr6-152540187-T-G.
Other names: c.21782A>C, p.His7261Pro (NM_033071.5); short protein forms H7261P, H7332P.
Identifiers: ClinVar variation 281278 (VCV000281278.27), dbSNP rs151247098, ClinGen allele CA4053999.